The following is an entry in ClinVar:

NM_005751.5(AKAP9):c.8700A>G (p.Ile2900Met)

Gene: AKAP9 (A-kinase anchoring protein 9; plus strand). Cytogenetic location: 7q21.2.
Variant type: single nucleotide variant.
Coding change: c.8700A>G on transcript NM_005751.5 (MANE Select); coding-DNA position 8700, A replaced by G.
Protein change: p.Ile2900Met; replaces isoleucine 2900 with methionine.
Molecular consequence: missense variant.
Genome position (GRCh38, 1-based): chr7:92,084,693, A>G. VCF-style: chr7-92084693-A-G. GRCh37 (hg19) VCF-style: chr7-91714007-A-G.
Other names: c.3345A>G, p.Ile1115Met (NM_001379277.1); c.8676A>G, p.Ile2892Met (NM_147185.3); short protein forms I1115M, I2892M, I2900M.
Identifiers: ClinVar variation 3225102 (VCV003225102.2), dbSNP rs781238898, ClinGen allele CA4337553.

ClinVar aggregate classification (germline): Uncertain significance. Review status: criteria provided, multiple submitters, no conflicts (2 of 4 stars). 2 submissions from 2 submitters: Uncertain significance (2). Last evaluated 2024-05-13.

Conditions:
Cardiovascular phenotype. Identifiers: MedGen CN230736.

Allele frequency attached by ClinVar (database versions not stated): gnomAD exomes below 0.00001; ExAC 0.00001; gnomAD 0.00001; TOPMed 0.00001.
gnomAD v4.1: 4 of 1,610,092 alleles (0.00025%); highest among the groups gnomAD compares: Middle Eastern, 0.017%; no homozygotes.

Submissions (2):

Blueprint Genetics
Classification: Uncertain significance. Last evaluated: 2024-05-13. Review status: criteria provided, single submitter. Criteria: ACMG Guidelines, 2015. Collection method: clinical testing. Allele origin: germline.

Ambry Genetics
Classification: Uncertain significance for Cardiovascular phenotype. Last evaluated: 2024-01-29. Review status: criteria provided, single submitter. Criteria: Ambry Variant Classification Scheme 2023. Collection method: clinical testing. Allele origin: germline.
Comment: The p.I2900M variant (also known as c.8700A>G), located in coding exon 34 of the AKAP9 gene, results from an A to G substitution at nucleotide position 8700. The isoleucine at codon 2900 is replaced by methionine, an amino acid with highly similar properties. This amino acid position is conserved. In addition, this alteration is predicted to be tolerated by in silico analysis. Based on the available evidence, the clinical significance of this alteration remains unclear.